The following is an entry in ClinVar:

NM_000051.4(ATM):c.6041A>G (p.Glu2014Gly)

Genes: ATM (ATM serine/threonine kinase; plus strand), C11orf65 (chromosome 11 open reading frame 65; minus strand). Cytogenetic location: 11q22.3.
Variant type: single nucleotide variant.
Coding change: c.6041A>G on transcript NM_000051.4 (MANE Select); coding-DNA position 6041, A replaced by G.
Protein change: p.Glu2014Gly; replaces glutamic acid 2014 with glycine.
Molecular consequence: missense variant. On other transcripts: intron variant (2).
Genome position (GRCh38, 1-based): chr11:108,315,857, A>G. VCF-style: chr11-108315857-A-G. GRCh37 (hg19) VCF-style: chr11-108186584-A-G.
Other names: c.6041A>G, p.Glu2014Gly (NM_001351834.2); c.641-6786T>C (NM_001330368.2); c.*39-6786T>C (NM_001351110.2); short protein forms E2014G.
Identifiers: ClinVar variation 2126145 (VCV002126145.4), dbSNP rs2136119223, ClinGen allele CA382549928.

ClinVar aggregate classification (germline): Uncertain significance (1 of 4 stars; one submission).

Conditions:
Ataxia-telangiectasia syndrome (AT). Also called: ATAXIA-TELANGIECTASIA, COMPLEMENTATION GROUP A; ATAXIA-TELANGIECTASIA, FRESNO VARIANT; Ataxia-telangiectasia; Ataxia-telangiectasia, complementation group E; LOUIS-BAR SYNDROME; Cerebello-oculocutaneous telangiectasia. Identifiers: Orphanet 100, MedGen C0004135, MONDO:0008840, OMIM 208900.

Submission:

Labcorp Genetics (formerly Invitae), Labcorp
Classification: Uncertain significance for Ataxia-telangiectasia syndrome. Last evaluated: 2022-04-15. Review status: criteria provided, single submitter. Criteria: Invitae Variant Classification Sherloc (09022015). Collection method: clinical testing. Allele origin: germline.
Comment: In summary, the available evidence is currently insufficient to determine the role of this variant in disease. Therefore, it has been classified as a Variant of Uncertain Significance. Advanced modeling of protein sequence and biophysical properties (such as structural, functional, and spatial information, amino acid conservation, physicochemical variation, residue mobility, and thermodynamic stability) performed at Invitae indicates that this missense variant is not expected to disrupt ATM protein function. This variant has not been reported in the literature in individuals affected with ATM-related conditions. This variant is not present in population databases (gnomAD no frequency). This sequence change replaces glutamic acid, which is acidic and polar, with glycine, which is neutral and non-polar, at codon 2014 of the ATM protein (p.Glu2014Gly).